The following is an entry in ClinVar:

ClinVar aggregate classification (germline): Likely pathogenic (1 of 4 stars; one submission).

Conditions:
Propionic acidemia (PROP). Also called: GLYCINEMIA, KETOTIC; HYPERGLYCINEMIA WITH KETOACIDOSIS AND LEUKOPENIA; KETOTIC HYPERGLYCINEMIA. Identifiers: Orphanet 35, MedGen C0268579, MONDO:0011628, OMIM 606054, HP:0003571.

Submission:

Natera, Inc.
Classification: Likely pathogenic for Propionic acidemia. Last evaluated: 2024-06-26. Review status: criteria provided, single submitter. Criteria: Natera Variant Classification Schema (03/2026). Collection method: clinical testing. Allele origin: germline.
Comment: The c.668del variant in PCCA is a frameshift variant predicted to shift the reading frame beginning at codon 223 and leads to a stop codon 37 codons downstream. This variant is expected to result in nonsense mediated decay, truncation, or a dysfunctional protein product. This variant is rare in the general population with a frequency below the threshold expected for the associated phenotype(s). Given the available evidence, this variant is classified as Likely Pathogenic.

NM_000282.4(PCCA):c.668del (p.Gly223fs)

Gene: PCCA (propionyl-CoA carboxylase subunit alpha; plus strand). Cytogenetic location: 13q32.3.
Variant type: Deletion.
Coding change: c.668del on transcript NM_000282.4 (MANE Select); coding-DNA position 668, one base deleted (G; older notation c.668delG).
Protein change: p.Gly223fs; shifts the reading frame from glycine 223.
Molecular consequence: frameshift variant. On other transcripts: non-coding transcript variant (5), intron variant (3).
Genome position (GRCh38, 1-based): chr13:100,257,625, G deleted; the last of 2 consecutive G bases (chr13:100,257,624-100,257,625); deleting either gives the same sequence. VCF-style (leftmost placement, unchanged base first): chr13-100257623-AG-A. GRCh37 (hg19) VCF-style: chr13-100909877-AG-A.
Other names: c.590del, p.Gly197fs (NM_001127692.3, NM_001352607.2, NM_001352608.2); c.668del, p.Gly223fs (NM_001178004.2, NM_001352605.2, NM_001352606.2 and 1 more transcripts); c.-229-5104del (NM_001352610.2, NM_001352611.2, NM_001352612.2); short protein forms G197fs, G223fs.
Identifiers: ClinVar variation 4818105 (VCV004818105.1).